The following is an entry in ClinVar:

ClinVar aggregate classification (germline): Uncertain significance (1 of 4 stars; one submission).

Conditions:
Congenital contractural arachnodactyly (CCA). Also called: BEALS SYNDROME; Beals-Hecht syndrome; Arthrogryposis, distal, type 9. Identifiers: Orphanet 115, MedGen C0220668, MONDO:0007363, OMIM 121050.

Submission:

Labcorp Genetics (formerly Invitae), Labcorp
Classification: Uncertain significance for Congenital contractural arachnodactyly. Last evaluated: 2022-09-24. Review status: criteria provided, single submitter. Criteria: Invitae Variant Classification Sherloc (09022015). Collection method: clinical testing. Allele origin: germline.
Comment: This sequence change replaces glutamine, which is neutral and polar, with arginine, which is basic and polar, at codon 2370 of the FBN2 protein (p.Gln2370Arg). This variant is not present in population databases (gnomAD no frequency). This variant has not been reported in the literature in individuals affected with FBN2-related conditions. Advanced modeling of protein sequence and biophysical properties (such as structural, functional, and spatial information, amino acid conservation, physicochemical variation, residue mobility, and thermodynamic stability) performed at Invitae indicates that this missense variant is not expected to disrupt FBN2 protein function. In summary, the available evidence is currently insufficient to determine the role of this variant in disease. Therefore, it has been classified as a Variant of Uncertain Significance.

NM_001999.4(FBN2):c.7109A>G (p.Gln2370Arg)

Gene: FBN2 (fibrillin 2; minus strand). Cytogenetic location: 5q23.3.
Variant type: single nucleotide variant.
Coding change: c.7109A>G on transcript NM_001999.4 (MANE Select); coding-DNA position 7109, A replaced by G.
Protein change: p.Gln2370Arg; replaces glutamine 2370 with arginine.
Molecular consequence: missense variant.
Genome position (GRCh38, 1-based): chr5:128,280,221, T>C on the plus strand (A>G on the coding strand, the complement: FBN2 is on the minus strand). VCF-style: chr5-128280221-T-C. GRCh37 (hg19) VCF-style: chr5-127615913-T-C.
Other names: short protein forms Q2370R.
Identifiers: ClinVar variation 1720289 (VCV001720289.6), dbSNP rs2479655260, ClinGen allele CA360757604.